The following is an entry in ClinVar:

NM_017612.5(ZCCHC8):c.492A>C (p.Glu164Asp)

Gene: ZCCHC8 (zinc finger CCHC-type containing 8; minus strand). Cytogenetic location: 12q24.31.
Variant type: single nucleotide variant.
Coding change: c.492A>C on transcript NM_017612.5 (MANE Select); coding-DNA position 492, A replaced by C.
Protein change: p.Glu164Asp; replaces glutamic acid 164 with aspartic acid.
Molecular consequence: missense variant. On other transcripts: 5 prime UTR variant (2).
Genome position (GRCh38, 1-based): chr12:122,489,395, T>G on the plus strand (A>C on the coding strand, the complement: ZCCHC8 is on the minus strand). VCF-style: chr12-122489395-T-G. GRCh37 (hg19) VCF-style: chr12-122973942-T-G.
Other names: c.492A>C, p.Glu164Asp (NM_001350935.2); c.195A>C, p.Glu65Asp (NM_001350936.2); c.-53A>C (NM_001350937.2, NM_001350938.2); short protein forms E164D, E65D.
Identifiers: ClinVar variation 1404426 (VCV001404426.6), dbSNP rs2137355005, ClinGen allele CA482208900.

ClinVar aggregate classification (germline): Uncertain significance (1 of 4 stars; one submission).

Submission:

Labcorp Genetics (formerly Invitae), Labcorp
Classification: Uncertain significance. Last evaluated: 2022-10-05. Review status: criteria provided, single submitter. Criteria: Invitae Variant Classification Sherloc (09022015). Collection method: clinical testing. Allele origin: germline.
Comment: In summary, the available evidence is currently insufficient to determine the role of this variant in disease. Therefore, it has been classified as a Variant of Uncertain Significance. Advanced modeling of protein sequence and biophysical properties (such as structural, functional, and spatial information, amino acid conservation, physicochemical variation, residue mobility, and thermodynamic stability) performed at Invitae indicates that this missense variant is not expected to disrupt ZCCHC8 protein function. ClinVar contains an entry for this variant (Variation ID: 1404426). This variant has not been reported in the literature in individuals affected with ZCCHC8-related conditions. This variant is not present in population databases (gnomAD no frequency). This sequence change replaces glutamic acid, which is acidic and polar, with aspartic acid, which is acidic and polar, at codon 164 of the ZCCHC8 protein (p.Glu164Asp).